The following is an entry in ClinVar:

NM_000384.3(APOB):c.11573C>T (p.Pro3858Leu)

Gene: APOB (apolipoprotein B; minus strand). Cytogenetic location: 2p24.1.
Variant type: single nucleotide variant.
Coding change: c.11573C>T on transcript NM_000384.3 (MANE Select); coding-DNA position 11573, C replaced by T.
Protein change: p.Pro3858Leu; replaces proline 3858 with leucine.
Molecular consequence: missense variant.
Genome position (GRCh38, 1-based): chr2:21,005,295, G>A on the plus strand (C>T on the coding strand, the complement: APOB is on the minus strand). VCF-style: chr2-21005295-G-A. GRCh37 (hg19) VCF-style: chr2-21228167-G-A.
Other names: short protein forms P3858L.
Identifiers: ClinVar variation 4083330 (VCV004083330.1).
Genomic context (GRCh38, chr2:21,005,295, plus strand): 5'-GGAATGACAATTCCAGCAGGTACAGAGAACTTAATGGAGGGAATCTCAATGGTCTGCTCA[G>A]GCACGATGATGGTGGGCAACTCAAAGTCTGCGATCTTGTTGGCTACTGCATTTAGATCCA-3'
Protein context (NP_000375.3, residues 3848-3868): ADFELPTIIV[Pro3858Leu]EQTIEIPSIK

ClinVar aggregate classification (germline): Uncertain significance (1 of 4 stars; one submission).

Submission:

GeneDx
Classification: Uncertain significance. Last evaluated: 2025-03-12. Review status: criteria provided, single submitter. Criteria: GeneDx Variant Classification Process June 2021. Collection method: clinical testing. Allele origin: germline. Affected: yes.
Comment: Not observed at significant frequency in large population cohorts (gnomAD); In silico analysis supports that this missense variant has a deleterious effect on protein structure/function; Has not been previously published as pathogenic or benign to our knowledge